The following is an entry in ClinVar:

NM_152778.4(MFSD8):c.-76G>A

Genes: ABHD18 (abhydrolase domain containing 18; plus strand), MFSD8 (major facilitator superfamily domain containing 8; minus strand). Cytogenetic location: 4q28.2.
Variant type: single nucleotide variant.
Coding change: c.-76G>A on transcript NM_152778.4; 76 bases upstream of the start codon, G replaced by A.
Molecular consequence: 5 prime UTR variant. On other transcripts: intron variant (19).
Genome position (GRCh38, 1-based): chr4:127,965,897, C>T on the plus strand (G>A on the coding strand, the complement: MFSD8 is on the minus strand). VCF-style: chr4-127965897-C-T. GRCh37 (hg19) VCF-style: chr4-128887052-C-T.
Other names: c.-74G>A (NM_001371590.2, NM_001410765.1); c.-637+291C>T (NM_001366042.3); c.-18+291C>T (NM_001358454.3, NM_001358451.3, NM_001366039.3 and 2 more transcripts); c.-819+291C>T (NM_001366038.3); c.-532+291C>T (NM_001366040.3); c.-208+291C>T (NM_001319305.3, NM_001366048.1); c.-487+291C>T (NM_001319307.3, NM_001366037.3, NM_001366046.1); c.-298+291C>T (NM_001319306.3, NM_001366041.3, NM_001366047.1); and 3 more.
Identifiers: ClinVar variation 514836 (VCV000514836.3), dbSNP rs1313783124, ClinGen allele CA554740423.

ClinVar aggregate classification (germline): Likely benign (1 of 4 stars; one submission).

Allele frequency attached by ClinVar (database versions not stated): gnomAD 0.00001; TOPMed 0.00002.

Submission:

GeneDx
Classification: Likely benign. Last evaluated: 2018-01-23. Review status: criteria provided, single submitter. Criteria: GeneDx Variant Classification (06012015). Collection method: clinical testing. Allele origin: germline. Affected: yes.
Comment: This variant is considered likely benign or benign based on one or more of the following criteria: it is a conservative change, it occurs at a poorly conserved position in the protein, it is predicted to be benign by multiple in silico algorithms, and/or has population frequency not consistent with disease.